The following is an entry in ClinVar:

NM_032229.3(SLITRK6):c.2216C>T (p.Thr739Ile)

Gene: SLITRK6 (SLIT and NTRK like family member 6; minus strand). Cytogenetic location: 13q31.1.
Variant type: single nucleotide variant.
Coding change: c.2216C>T on transcript NM_032229.3 (MANE Select); coding-DNA position 2216, C replaced by T.
Protein change: p.Thr739Ile; replaces threonine 739 with isoleucine.
Molecular consequence: missense variant.
Genome position (GRCh38, 1-based): chr13:85,794,293, G>A on the plus strand (C>T on the coding strand, the complement: SLITRK6 is on the minus strand). VCF-style: chr13-85794293-G-A. GRCh37 (hg19) VCF-style: chr13-86368428-G-A.
Other names: short protein forms T739I.
Identifiers: ClinVar variation 3774996 (VCV003774996.4).

ClinVar aggregate classification (germline): Uncertain significance. Review status: criteria provided, multiple submitters, no conflicts (2 of 4 stars). 3 submissions from 3 submitters: Uncertain significance (3). Last evaluated 2025-10-22.

Conditions:
Inborn genetic diseases. Identifiers: MedGen C0950123, MeSH D030342.

gnomAD v4.1: 66 of 1,613,176 alleles (0.0041%); highest among the groups gnomAD compares: Non-Finnish European, 0.0053%; no homozygotes.

Submissions (3):

GeneDx
Classification: Uncertain significance. Last evaluated: 2025-10-22. Review status: criteria provided, single submitter. Criteria: GeneDx Variant Classification Process June 2021. Collection method: clinical testing. Allele origin: germline.
Comment: In silico analysis suggests that this missense variant does not alter protein structure/function; Has not been previously published as pathogenic or benign to our knowledge

Ambry Genetics
Classification: Uncertain significance for Inborn genetic diseases. Last evaluated: 2025-05-15. Review status: criteria provided, single submitter. Criteria: Ambry Variant Classification Scheme 2023. Collection method: clinical testing. Allele origin: germline.

Blueprint Genetics
Classification: Uncertain significance. Last evaluated: 2022-11-30. Review status: criteria provided, single submitter. Criteria: ACMG Guidelines, 2015. Collection method: clinical testing. Allele origin: germline.